The following is an entry in ClinVar:

NM_004341.5(CAD):c.1924G>A (p.Asp642Asn)

Gene: CAD (carbamoyl-phosphate synthetase 2, aspartate transcarbamylase, and dihydroorotase; plus strand). Cytogenetic location: 2p23.3.
Variant type: single nucleotide variant.
Coding change: c.1924G>A on transcript NM_004341.5 (MANE Select); coding-DNA position 1924, G replaced by A.
Protein change: p.Asp642Asn; replaces aspartic acid 642 with asparagine.
Molecular consequence: missense variant. On other transcripts: intron variant (1).
Genome position (GRCh38, 1-based): chr2:27,226,212, G>A. VCF-style: chr2-27226212-G-A. GRCh37 (hg19) VCF-style: chr2-27449080-G-A.
Other names: c.1842+286G>A (NM_001306079.2); short protein forms D642N.
Identifiers: ClinVar variation 1994850 (VCV001994850.2), dbSNP rs367810669, ClinGen allele CA1572868.
Genomic context (GRCh38, chr2:27,226,212, plus strand): 5'-GACCCACTGGGCATCCACACTGGTGAGTCCATAGTGGTGGCCCCTAGCCAGACACTGAAT[G>A]ACAGGGAGTATCAGCTCCTGAGGCAGACAGCTATCAAGGTGACCCAGCACCTGGGAATTG-3'
Protein context (NP_004332.2, residues 632-652): IVVAPSQTLN[Asp642Asn]REYQLLRQTA

ClinVar aggregate classification (germline): Uncertain significance (1 of 4 stars; one submission).

Allele frequency attached by ClinVar (database versions not stated): TOPMed below 0.00001; ExAC 0.00001; gnomAD exomes 0.00001; gnomAD 0.00002; ESP Exome Variant Server 0.00008.
gnomAD v4.1: 8 of 1,614,052 alleles (0.0005%); highest among the groups gnomAD compares: African/African-American, 0.004%; no homozygotes.

Submission:

Labcorp Genetics (formerly Invitae), Labcorp
Classification: Uncertain significance. Last evaluated: 2022-06-25. Review status: criteria provided, single submitter. Criteria: Invitae Variant Classification Sherloc (09022015). Collection method: clinical testing. Allele origin: germline.
Comment: In summary, the available evidence is currently insufficient to determine the role of this variant in disease. Therefore, it has been classified as a Variant of Uncertain Significance. Algorithms developed to predict the effect of missense changes on protein structure and function output the following: SIFT: "Deleterious"; PolyPhen-2: "Benign"; Align-GVGD: "Class C0". The asparagine amino acid residue is found in multiple mammalian species, which suggests that this missense change does not adversely affect protein function. This variant has not been reported in the literature in individuals affected with CAD-related conditions. This variant is present in population databases (rs367810669, gnomAD 0.007%). This sequence change replaces aspartic acid, which is acidic and polar, with asparagine, which is neutral and polar, at codon 642 of the CAD protein (p.Asp642Asn).